The following is an entry in ClinVar:

ClinVar aggregate classification (germline): Uncertain significance (1 of 4 stars; one submission).

Conditions:
Familial hemiplegic migraine. Identifiers: MedGen C0338484, MONDO:0000700.

Allele frequency attached by ClinVar (database versions not stated): ExAC 0.00001; gnomAD 0.00001; gnomAD exomes 0.00002; TOPMed 0.00002.
gnomAD v4.1: 41 of 1,614,116 alleles (0.0025%); highest among the groups gnomAD compares: Non-Finnish European, 0.0034%; no homozygotes.

Submission:

Labcorp Genetics (formerly Invitae), Labcorp
Classification: Uncertain significance for Familial hemiplegic migraine. Last evaluated: 2023-06-05. Review status: criteria provided, single submitter. Criteria: Invitae Variant Classification Sherloc (09022015). Collection method: clinical testing. Allele origin: germline.
Comment: In summary, the available evidence is currently insufficient to determine the role of this variant in disease. Therefore, it has been classified as a Variant of Uncertain Significance. Advanced modeling of protein sequence and biophysical properties (such as structural, functional, and spatial information, amino acid conservation, physicochemical variation, residue mobility, and thermodynamic stability) performed at Invitae indicates that this missense variant is not expected to disrupt ATP1A2 protein function. ClinVar contains an entry for this variant (Variation ID: 1006411). This variant has not been reported in the literature in individuals affected with ATP1A2-related conditions. This variant is present in population databases (rs757896422, gnomAD 0.004%). This sequence change replaces aspartic acid, which is acidic and polar, with asparagine, which is neutral and polar, at codon 886 of the ATP1A2 protein (p.Asp886Asn).

NM_000702.4(ATP1A2):c.2656G>A (p.Asp886Asn)

Gene: ATP1A2 (ATPase Na+/K+ transporting subunit alpha 2; plus strand). Cytogenetic location: 1q23.2.
Variant type: single nucleotide variant.
Coding change: c.2656G>A on transcript NM_000702.4 (MANE Select); coding-DNA position 2656, G replaced by A.
Protein change: p.Asp886Asn; replaces aspartic acid 886 with asparagine.
Molecular consequence: missense variant.
Genome position (GRCh38, 1-based): chr1:160,136,662, G>A. VCF-style: chr1-160136662-G-A. GRCh37 (hg19) VCF-style: chr1-160106452-G-A.
Other names: short protein forms D886N.
Identifiers: ClinVar variation 1006411 (VCV001006411.6), dbSNP rs757896422, ClinGen allele CA1194806.